The following is an entry in ClinVar:

ClinVar aggregate classification (germline): Uncertain significance (1 of 4 stars; one submission).

Conditions:
Inborn genetic diseases. Identifiers: MedGen C0950123, MeSH D030342.

Submission:

Ambry Genetics
Classification: Uncertain significance for Inborn genetic diseases. Last evaluated: 2024-05-22. Review status: criteria provided, single submitter. Criteria: Ambry Variant Classification Scheme 2023. Collection method: clinical testing. Allele origin: germline.
Comment: The c.1729C>A (p.L577I) alteration is located in exon 19 (coding exon 18) of the TLK2 gene. This alteration results from a C to A substitution at nucleotide position 1729, causing the leucine (L) at amino acid position 577 to be replaced by an isoleucine (I). This variant was not reported in population-based cohorts in the Genome Aggregation Database (gnomAD). This amino acid position is highly conserved in available vertebrate species. This missense alteration is located in a region that has a low rate of benign missense variation (Lek, 2016; Firth, 2009). The in silico prediction for this alteration is inconclusive. Based on insufficient or conflicting evidence, the clinical significance of this alteration remains unclear.

NM_006852.6(TLK2):c.1729C>A (p.Leu577Ile)

Gene: TLK2 (tousled like kinase 2; plus strand). Cytogenetic location: 17q23.2.
Variant type: single nucleotide variant.
Coding change: c.1729C>A on transcript NM_006852.6 (MANE Select); coding-DNA position 1729, C replaced by A.
Protein change: p.Leu577Ile; replaces leucine 577 with isoleucine.
Molecular consequence: missense variant.
Genome position (GRCh38, 1-based): chr17:62,602,050, C>A. VCF-style: chr17-62602050-C-A. GRCh37 (hg19) VCF-style: chr17-60679411-C-A.
Other names: c.1795C>A, p.Leu599Ile (NM_001284333.3); c.1633C>A, p.Leu545Ile (NM_001284363.1, NM_001375272.1); c.1282C>A, p.Leu428Ile (NM_001330418.3, NM_001375273.1); c.1771C>A, p.Leu591Ile (NM_001375269.1); c.1729C>A, p.Leu577Ile (NM_001375270.1, NM_001375271.1); c.1444C>A, p.Leu482Ile (NM_001411074.1); short protein forms L577I, L428I, L545I, L591I, L599I, L482I.
Identifiers: ClinVar variation 3326315 (VCV003326315.1).
Genomic context (GRCh38, chr17:62,602,050, plus strand): 5'-TTCTCTTAAATCAGTAAGTCTCTGCTTATTCATGAAGGTTTTTATTTTTTAGGTAATATT[C>A]TTTTAGTAAATGGTACAGCGTGTGGAGAGATAAAAATTACAGATTTTGGTCTTTCGAAGA-3'
Protein context (NP_006843.2, residues 567-587): IHYDLKPGNI[Leu577Ile]LVNGTACGEI